The following is an entry in ClinVar:

NM_001320.7(CSNK2B):c.326G>A (p.Cys109Tyr)

Gene: CSNK2B (casein kinase 2 beta; plus strand). Cytogenetic location: 6p21.33.
Variant type: single nucleotide variant.
Coding change: c.326G>A on transcript NM_001320.7 (MANE Select); coding-DNA position 326, G replaced by A.
Protein change: p.Cys109Tyr; replaces cysteine 109 with tyrosine.
Molecular consequence: missense variant.
Genome position (GRCh38, 1-based): chr6:31,669,131, G>A. VCF-style: chr6-31669131-G-A. GRCh37 (hg19) VCF-style: chr6-31636908-G-A.
Other names: c.326G>A, p.Cys109Tyr (NM_001282385.2); short protein forms C109Y.
Identifiers: ClinVar variation 3898878 (VCV003898878.1).

ClinVar aggregate classification (germline): Likely pathogenic (1 of 4 stars; one submission).

Submission:

GeneDx
Classification: Likely pathogenic. Last evaluated: 2024-11-12. Review status: criteria provided, single submitter. Criteria: GeneDx Variant Classification Process June 2021. Collection method: clinical testing. Allele origin: germline. Affected: yes.
Comment: Not observed at significant frequency in large population cohorts (gnomAD); In silico analysis supports that this missense variant has a deleterious effect on protein structure/function; Has not been previously published as pathogenic or benign to our knowledge